The following is an entry in ClinVar:

NM_001081.4(CUBN):c.8711C>T (p.Ser2904Phe)

Gene: CUBN (cubilin; minus strand). Cytogenetic location: 10p13.
Variant type: single nucleotide variant.
Coding change: c.8711C>T on transcript NM_001081.4 (MANE Select); coding-DNA position 8711, C replaced by T.
Protein change: p.Ser2904Phe; replaces serine 2904 with phenylalanine.
Molecular consequence: missense variant.
Genome position (GRCh38, 1-based): chr10:16,890,415, G>A on the plus strand (C>T on the coding strand, the complement: CUBN is on the minus strand). VCF-style: chr10-16890415-G-A. GRCh37 (hg19) VCF-style: chr10-16932414-G-A.
Other names: short protein forms S2904F.
Identifiers: ClinVar variation 646070 (VCV000646070.6), dbSNP rs1588623068, ClinGen allele CA376138980.

ClinVar aggregate classification (germline): Uncertain significance (1 of 4 stars; one submission).

Conditions:
Imerslund-Grasbeck syndrome. Also called: ENTEROCYTE COBALAMIN MALABSORPTION; ENTEROCYTE INTRINSIC FACTOR RECEPTOR, DEFECT OF; PERNICIOUS ANEMIA, JUVENILE, DUE TO SELECTIVE INTESTINAL MALABSORPTION OF VITAMIN B12, WITH PROTEINURIA; Imerslund-Gräsbeck syndrome; Megaloblastic anemia due to inborn errors of metabolism. Identifiers: Orphanet 35858, MedGen C4551825, MONDO:0009853.

Allele frequency attached by ClinVar (database versions not stated): gnomAD exomes below 0.00001.
gnomAD v4.1: 2 of 1,614,032 alleles (0.00012%); highest among the groups gnomAD compares: Non-Finnish European, 0.00017%; no homozygotes.

Submission:

Labcorp Genetics (formerly Invitae), Labcorp
Classification: Uncertain significance for Imerslund-Grasbeck syndrome. Last evaluated: 2021-09-01. Review status: criteria provided, single submitter. Criteria: Invitae Variant Classification Sherloc (09022015). Collection method: clinical testing. Allele origin: germline.
Comment: This sequence change replaces serine with phenylalanine at codon 2904 of the CUBN protein (p.Ser2904Phe). The serine residue is moderately conserved and there is a large physicochemical difference between serine and phenylalanine. This variant is not present in population databases (ExAC no frequency). This variant has not been reported in the literature in individuals affected with CUBN-related conditions. Algorithms developed to predict the effect of missense changes on protein structure and function are either unavailable or do not agree on the potential impact of this missense change (SIFT: "Deleterious"; PolyPhen-2: "Probably Damaging"; Align-GVGD: "Class C15"). In summary, the available evidence is currently insufficient to determine the role of this variant in disease. Therefore, it has been classified as a Variant of Uncertain Significance.